The following is an entry in ClinVar:

NM_015884.4(MBTPS2):c.758G>C (p.Gly253Ala)

Gene: MBTPS2 (membrane bound transcription factor peptidase, site 2; plus strand). Cytogenetic location: Xp22.12.
Variant type: single nucleotide variant.
Coding change: c.758G>C on transcript NM_015884.4 (MANE Select); coding-DNA position 758, G replaced by C.
Protein change: p.Gly253Ala; replaces glycine 253 with alanine.
Molecular consequence: missense variant.
Genome position (GRCh38, 1-based): chrX:21,868,554, G>C. VCF-style: chrX-21868554-G-C. GRCh37 (hg19) VCF-style: chrX-21886672-G-C.
Other names: short protein forms G253A.
Identifiers: ClinVar variation 1215609 (VCV001215609.3), dbSNP rs2147447747, ClinGen allele CA412567979.

ClinVar aggregate classification (germline): Pathogenic (1 of 4 stars; one submission).

Submission:

GeneDx
Classification: Pathogenic. Last evaluated: 2020-11-11. Review status: criteria provided, single submitter. Criteria: GeneDx Variant Classification Process June 2021. Collection method: clinical testing. Allele origin: germline. Affected: yes.
Comment: Published functional studies demonstrate reduced enzymatic activity (Bornholdt et al., 2013).; In silico analysis supports that this missense variant has a deleterious effect on protein structure/function; Not observed in large population cohorts (Lek et al., 2016); This variant is associated with the following publications: (PMID: 31215178, 27577878, 23316014)